The following is an entry in ClinVar:

NM_014822.4(SEC24D):c.1298A>G (p.Lys433Arg)

Gene: SEC24D (SEC24 homolog D, COPII component; minus strand). Cytogenetic location: 4q26.
Variant type: single nucleotide variant.
Coding change: c.1298A>G on transcript NM_014822.4 (MANE Select); coding-DNA position 1298, A replaced by G.
Protein change: p.Lys433Arg; replaces lysine 433 with arginine.
Molecular consequence: missense variant.
Genome position (GRCh38, 1-based): chr4:118,757,844, T>C on the plus strand (A>G on the coding strand, the complement: SEC24D is on the minus strand). VCF-style: chr4-118757844-T-C. GRCh37 (hg19) VCF-style: chr4-119678999-T-C.
Other names: c.1301A>G, p.Lys434Arg (NM_001318066.2); short protein forms K433R, K434R.
Identifiers: ClinVar variation 1440048 (VCV001440048.5), dbSNP rs201158359, ClinGen allele CA3057278.

ClinVar aggregate classification (germline): Uncertain significance. Review status: criteria provided, multiple submitters, no conflicts (2 of 4 stars). 2 submissions from 2 submitters: Uncertain significance (2). Last evaluated 2022-08-23.

Allele frequency attached by ClinVar (database versions not stated): gnomAD 0.00001 and 0.00004; TOPMed 0.00001; gnomAD exomes 0.00008 and 0.00024; ExAC 0.00027.
gnomAD v4.1: 122 of 1,599,888 alleles (0.0076%); highest among the groups gnomAD compares: South Asian, 0.13%; no homozygotes.

Submissions (2):

Labcorp Genetics (formerly Invitae), Labcorp
Classification: Uncertain significance. Last evaluated: 2022-08-23. Review status: criteria provided, single submitter. Criteria: Invitae Variant Classification Sherloc (09022015). Collection method: clinical testing. Allele origin: germline.
Comment: ClinVar contains an entry for this variant (Variation ID: 1440048). This variant has not been reported in the literature in individuals affected with SEC24D-related conditions. This variant is present in population databases (rs201158359, gnomAD 0.2%). This sequence change replaces lysine, which is basic and polar, with arginine, which is basic and polar, at codon 433 of the SEC24D protein (p.Lys433Arg). Algorithms developed to predict the effect of missense changes on protein structure and function are either unavailable or do not agree on the potential impact of this missense change (SIFT: "Not Available"; PolyPhen-2: "Benign"; Align-GVGD: "Not Available"). In summary, the available evidence is currently insufficient to determine the role of this variant in disease. Therefore, it has been classified as a Variant of Uncertain Significance.

Blueprint Genetics
Classification: Uncertain significance. Last evaluated: 2021-06-07. Review status: criteria provided, single submitter. Criteria: ACMG Guidelines, 2015. Collection method: clinical testing. Allele origin: germline.